The following is an entry in ClinVar:

NM_130839.5(UBE3A):c.671T>C (p.Leu224Ser)

Genes: SNHG14 (small nucleolar RNA host gene 14; plus strand), UBE3A (ubiquitin protein ligase E3A; minus strand). Cytogenetic location: 15q11.2.
Variant type: single nucleotide variant.
Coding change: c.671T>C on transcript NM_130839.5 (MANE Select); coding-DNA position 671, T replaced by C.
Protein change: p.Leu224Ser; replaces leucine 224 with serine.
Molecular consequence: missense variant. On other transcripts: non-coding transcript variant (1), intron variant (2).
Genome position (GRCh38, 1-based): chr15:25,371,503, A>G on the plus strand (T>C on the coding strand, the complement: UBE3A is on the minus strand). VCF-style: chr15-25371503-A-G. GRCh37 (hg19) VCF-style: chr15-25616650-A-G.
Other names: c.680T>C, p.Leu227Ser (NM_000462.5); c.671T>C, p.Leu224Ser (NM_001354505.1, NM_001354538.2, NM_001354545.2); c.611T>C, p.Leu204Ser (NM_001354506.2, NM_001354507.2, NM_001354508.2 and 17 more transcripts); c.494T>C, p.Leu165Ser (NM_001354546.2); c.301+3962T>C (NM_001354551.2); c.361+3962T>C (NM_001354550.2); short protein forms L204S, L165S, L224S, L227S.
Identifiers: ClinVar variation 156140 (VCV000156140.11), dbSNP rs587782922, ClinGen allele CA208436.

ClinVar aggregate classification (germline): Uncertain significance. Review status: criteria provided, multiple submitters, no conflicts (2 of 4 stars). 4 submissions from 4 submitters: Uncertain significance (3). 1 of the submissions does not count toward it. Last evaluated 2025-08-29.

Conditions:
Angelman syndrome (AS). Also called: HAPPY PUPPET SYNDROME. Identifiers: Orphanet 72, MedGen C0162635, MONDO:0007113, OMIM 105830. Disease mechanism: loss of function. Inheritance: AS is caused by disruption of maternally imprinted UBE3A located within the 15q11.2-q13 Angelman syndrome/Prader-Willi syndrome (AS/PWS) region., imprinting disorder.

Allele frequency attached by ClinVar (database versions not stated): gnomAD exomes below 0.00001 and 0.00001; gnomAD 0.00001; TOPMed 0.00001.
gnomAD v4.1: 11 of 1,613,942 alleles (0.00068%); highest among the groups gnomAD compares: Non-Finnish European, 0.00093%; no homozygotes.

Submissions (4):

Labcorp Genetics (formerly Invitae), Labcorp
Classification: Uncertain significance for Angelman syndrome. Last evaluated: 2025-08-29. Review status: criteria provided, single submitter. Criteria: Invitae Variant Classification Sherloc (09022015). Collection method: clinical testing. Allele origin: germline.
Comment: This sequence change replaces leucine, which is neutral and non-polar, with serine, which is neutral and polar, at codon 204 of the UBE3A protein (p.Leu204Ser). This variant is present in population databases (rs587782922, gnomAD 0.0009%). This missense change has been observed in individual(s) with clinical features of Angelman syndrome (PMID: 25212744). ClinVar contains an entry for this variant (Variation ID: 156140). Invitae Evidence Modeling of protein sequence and biophysical properties (such as structural, functional, and spatial information, amino acid conservation, physicochemical variation, residue mobility, and thermodynamic stability) indicates that this missense variant is not expected to disrupt UBE3A protein function with a negative predictive value of 80%. In summary, the available evidence is currently insufficient to determine the role of this variant in disease. Therefore, it has been classified as a Variant of Uncertain Significance.

GeneDx
Classification: Uncertain significance. Last evaluated: 2019-11-22. Review status: criteria provided, single submitter. Criteria: GeneDx Variant Classification Process June 2021. Collection method: clinical testing. Allele origin: germline. Affected: yes.
Comment: The majority of missense variants in this gene are considered pathogenic (Stenson et al., 2014); In silico analysis, which includes protein predictors and evolutionary conservation, supports that this variant does not alter protein structure/function; Has been previously published as benign or likely benign variant due to paternal inheritance (Sadikovic et al., 2014); This variant is associated with the following publications: (PMID: 25212744)

Genetic Services Laboratory, University of Chicago
Classification: Uncertain significance. Last evaluated: 2015-02-02. Review status: criteria provided, single submitter. Criteria: ACMG Guidelines, 2015. Collection method: clinical testing. Allele origin: germline.

Baylor Genetics
Classification: Uncertain significance for Angelman syndrome. Last evaluated: 2014-02-14. Review status: no assertion criteria provided. Collection method: clinical testing. Allele origin: paternal. Affected: yes. Observed: 1 variant allele. Study: UBE3A Mutation Study. Not counted in ClinVar's aggregate classification.
Comment: possible diagnosis of Angelman syndrome

Data collected from clinical UBE3A sequence analysis results

Literature cited by the submitters: PubMed 25212744 (cited by Labcorp Genetics (formerly Invitae), Labcorp and Baylor Genetics).